The following is an entry in ClinVar:

NM_017777.4(MKS1):c.418-3C>T

Gene: MKS1 (MKS transition zone complex subunit 1; minus strand). Cytogenetic location: 17q22.
Variant type: single nucleotide variant.
Coding change: c.418-3C>T on transcript NM_017777.4 (MANE Select); 3 bases into the intron before coding-DNA position 418, C replaced by T.
Molecular consequence: intron variant.
Genome position (GRCh38, 1-based): chr17:58,214,841, G>A on the plus strand (C>T on the coding strand, the complement: MKS1 is on the minus strand). VCF-style: chr17-58214841-G-A. GRCh37 (hg19) VCF-style: chr17-56292202-G-A.
Other names: c.-94-454C>T (NM_001321268.2); c.418-3C>T (NM_001330397.2, NM_001321269.2).
Identifiers: ClinVar variation 1995748 (VCV001995748.4), dbSNP rs2509448935, ClinGen allele CA2580094286.

ClinVar aggregate classification (germline): Uncertain significance (1 of 4 stars; one submission).

Conditions:
Joubert syndrome. Also called: CEREBELLOPARENCHYMAL DISORDER IV; JOUBERT-BOLTSHAUSER SYNDROME; Familial aplasia of the vermis. Identifiers: Orphanet 475, MedGen C5979921, MONDO:0018772.
Meckel-Gruber syndrome. Also called: DYSENCEPHALIA SPLANCHNOCYSTICA; GRUBER SYNDROME; Dysencephalia splachnocystica. Identifiers: Orphanet 564, MedGen C0265215, MONDO:0018921.

Submission:

Labcorp Genetics (formerly Invitae), Labcorp
Classification: Uncertain significance for Joubert syndrome; Meckel-Gruber syndrome. Last evaluated: 2022-05-31. Review status: criteria provided, single submitter. Criteria: Invitae Variant Classification Sherloc (09022015). Collection method: clinical testing. Allele origin: germline.
Comment: In summary, the available evidence is currently insufficient to determine the role of this variant in disease. Therefore, it has been classified as a Variant of Uncertain Significance. Variants that disrupt the consensus splice site are a relatively common cause of aberrant splicing (PMID: 17576681, 9536098). Algorithms developed to predict the effect of sequence changes on RNA splicing suggest that this variant is not likely to affect RNA splicing. This variant has not been reported in the literature in individuals affected with MKS1-related conditions. This variant is not present in population databases (gnomAD no frequency). This sequence change falls in intron 4 of the MKS1 gene. It does not directly change the encoded amino acid sequence of the MKS1 protein. It affects a nucleotide within the consensus splice site.

Literature cited by the submitters: PubMed 17576681; PubMed 9536098.